The following is an entry in ClinVar:

NM_032444.4(SLX4):c.3948_3962del (p.Pro1317_Pro1321del)

Gene: SLX4 (SLX4 structure-specific endonuclease subunit; minus strand). Cytogenetic location: 16p13.3.
Variant type: Deletion.
Coding change: c.3948_3962del on transcript NM_032444.4 (MANE Select); coding-DNA positions 3948 to 3962, 15 bases deleted (ACCGCCCCAGACACC).
Protein change: p.Pro1317_Pro1321del.
Molecular consequence: inframe deletion.
Genome position (GRCh38, 1-based): chr16:3,589,676-3,589,690, GGTGTCTGGGGCGGT deleted on the plus strand (ACCGCCCCAGACACC on the coding strand, the reverse complement: SLX4 is on the minus strand); deleting any 15 consecutive bases within chr16:3,589,676-3,589,702 gives the same sequence; the c. name uses the placement nearest the transcript's 3' end. VCF-style (leftmost placement, unchanged base first): chr16-3589675-CGGTGTCTGGGGCGGT-C. GRCh37 (hg19) VCF-style: chr16-3639676-CGGTGTCTGGGGCGGT-C.
Identifiers: ClinVar variation 626021 (VCV000626021.3), dbSNP rs1302525912, ClinGen allele CA620713998.
Genomic context (GRCh38, chr16:3,589,675, plus strand): 5'-TCTGTGGCCTTGCCTTCTGCCGTCAGAAGTTCCTGGAGAGACGGGAGTGAGGCATGAGGA[CGGTGTCTGGGGCGGT>C]GGTGTCTGGGGCCTGATGACAGAAAACTTCTGTGCGACTTCGTTCCCTTCCCTGTTTCCT-3'

ClinVar aggregate classification (germline): Uncertain significance. Review status: criteria provided, multiple submitters, no conflicts (2 of 4 stars). 2 submissions from 2 submitters: Uncertain significance (2). Last evaluated 2026-01-21.

Conditions:
Fanconi anemia complementation group P. Also called: SLX4-Related Fanconi Anemia. Identifiers: Orphanet 84, MedGen C3469542, MONDO:0013499, OMIM 613951.
Fanconi anemia (FA). Also called: Fanconi's anemia. Identifiers: Orphanet 84, MedGen C0015625, MeSH D005199, MONDO:0019391.

Submissions (2):

Labcorp Genetics (formerly Invitae), Labcorp
Classification: Uncertain significance for Fanconi anemia. Last evaluated: 2026-01-21. Review status: criteria provided, single submitter. Criteria: Invitae Variant Classification Sherloc (09022015). Collection method: clinical testing. Allele origin: germline.
Comment: This variant, c.3948_3962del, results in the deletion of 5 amino acid(s) of the SLX4 protein (p.Pro1317_Pro1321del), but otherwise preserves the integrity of the reading frame. This variant is present in population databases (no rsID available, gnomAD 0.006%). This variant has not been reported in the literature in individuals affected with SLX4-related conditions. ClinVar contains an entry for this variant (Variation ID: 626021). Experimental studies and prediction algorithms are not available or were not evaluated, and the functional significance of this variant is currently unknown. In summary, the available evidence is currently insufficient to determine the role of this variant in disease. Therefore, it has been classified as a Variant of Uncertain Significance.

Center for Genomics, Ann and Robert H. Lurie Children's Hospital of Chicago
Classification: Uncertain significance for Fanconi anemia complementation group P. Last evaluated: 2021-03-30. Review status: criteria provided, single submitter. Criteria: ACMG Guidelines, 2015. Collection method: clinical testing. Allele origin: germline.
Comment: SLX4 NM_032444 exon 12 p.Pro1317_Pro1321del (c.3948_3962del): This variant has not been reported in the literature but is present in 1/17246 East Asian alleles in the Genome Aggregation Database. Evolutionary conservation and computational predictive tools for this variant are limited or unavailable. This variant represents an in-frame deletion of 5 amino acids at position 1317 and is not predicted to alter the reading frame. However, the effect of this variant on the protein is unclear. In summary, data on this variant is insufficient for disease classification. Therefore, the clinical significance of this variant is uncertain.